The following is an entry in ClinVar:

ClinVar aggregate classification (germline): Likely benign (1 of 4 stars; one submission).

Allele frequency attached by ClinVar (database versions not stated): 1000 Genomes Project 30x 0.00016; 1000 Genomes Project 0.00020; ESP Exome Variant Server 0.00031; gnomAD 0.00035; ExAC 0.00053; TOPMed 0.00059.
gnomAD v4.1: 856 of 1,606,204 alleles (0.053%); highest among the groups gnomAD compares: Admixed American, 0.1%; 1 homozygote.

Submission:

CeGaT Center for Human Genetics Tuebingen
Classification: Likely benign. Last evaluated: 2024-02-01. Review status: criteria provided, single submitter. Criteria: CeGaT Center For Human Genetics Tuebingen Variant Classification Criteria Version 2. Collection method: clinical testing. Allele origin: germline. Affected: yes. Observed: 1 variant allele.
Comment: NCAPD3: BP4, BP7

NM_015261.3(NCAPD3):c.1668C>T (p.Asn556=)

Gene: NCAPD3 (non-SMC condensin II complex subunit D3; minus strand). Cytogenetic location: 11q25.
Variant type: single nucleotide variant.
Coding change: c.1668C>T on transcript NM_015261.3 (MANE Select); coding-DNA position 1668, C replaced by T.
Protein change: p.Asn556=; no amino-acid change (asparagine 556 retained).
Molecular consequence: synonymous variant.
Genome position (GRCh38, 1-based): chr11:134,194,686, G>A on the plus strand (C>T on the coding strand, the complement: NCAPD3 is on the minus strand). VCF-style: chr11-134194686-G-A. GRCh37 (hg19) VCF-style: chr11-134064581-G-A.
Other names: c.1668C>T, p.Asn556= (NM_001372065.1, NM_001372068.1); c.1254C>T, p.Asn418= (NM_001372069.1, NM_001372070.1).
Identifiers: ClinVar variation 3025353 (VCV003025353.22), dbSNP rs145669881, ClinGen allele CA6371566.
Genomic context (GRCh38, chr11:134,194,686, plus strand): 5'-TAGTGCTTAAAAAAAAAAATGTGCAGAGAAAACTCCCACCTGCAGTGCAGACTTCCTAAC[G>A]TTGGTCTTCTCATCCCTGATCCTCCTTCTCAGCATTGCCATGACACATCTTTCTGTAGAG-3'
Protein context (NP_056076.1, residues 546-566): LRRRIRDEKT[Asn556=]VRKSALQVLV